The following is an entry in ClinVar:

GRCh38/hg38 8p23.1(chr8:7411297-8273167)x1

Genes: DEFB103A (defensin beta 103A; plus strand), DEFB103B (defensin beta 103B), DEFB104A (defensin beta 104A; plus strand), DEFB104B (defensin beta 104B), DEFB105A (defensin beta 105A; minus strand) and 38 more. Cytogenetic location: 8p23.1.
Variant type: copy number loss.
Change: copy number 1 (one copy instead of two) of chr8:7,411,297-8,273,167 (861.9 kb, GRCh38 coordinates, 1-based), cytogenetic band 8p23.1.
Identifiers: ClinVar variation 57104 (VCV000057104.1).

ClinVar aggregate classification (germline): Benign (1 of 4 stars; one submission).

Submission:

ISCA site 4
Classification: Benign. Last evaluated: 2011-08-12. Review status: criteria provided, single submitter. Criteria: Kaminsky et al. (Genet Med. 2011). Collection method: clinical testing. Allele origin: unknown. Affected: yes. Observed: 1 variant allele.
Comment: Copy number variation identified through the course of routine clinical cytogenomic testing in postnatal populations. Clinical assertions have been curated as described in Kaminsky et al. 2011.